The following is an entry in ClinVar:

NM_006259.3(PRKG2):c.2127-61CCTT[13]

Gene: PRKG2 (protein kinase cGMP-dependent 2; minus strand). Cytogenetic location: 4q21.21.
Variant type: Microsatellite.
Coding change: c.2127-61CCTT[13] on transcript NM_006259.3 (MANE Select); 13 copies in a row of the 4-base unit CCTT starting at c.2127-61; the reference has 12 copies in a row; one copy, 4 bases duplicated.
Molecular consequence: intron variant.
Genome position (GRCh38, 1-based): chr4:81,092,466-81,092,469, AAGG duplicated on the plus strand (CCTT on the coding strand, the reverse complement: PRKG2 is on the minus strand); duplicating any 4 consecutive bases within chr4:81,092,466-81,092,513 gives the same sequence; the position shown is the placement nearest the transcript's 3' end. VCF-style (leftmost placement, unchanged base first): chr4-81092465-A-AAAGG. GRCh37 (hg19) VCF-style: chr4-82013619-A-AAAGG.
Other names: c.780-61CCTT[13] (NM_001282482.1); c.687-61CCTT[13] (NM_001282483.1); c.867-61CCTT[13] (NM_001282481.1, NM_001282480.1); c.2040-61CCTT[13] (NM_001282485.2); c.2127-61CCTT[13] (NM_001363401.2); c.2127-17_2127-14dupCCTT (NM_006259.3).
Identifiers: ClinVar variation 2798131 (VCV002798131.3), dbSNP rs59866145, ClinGen allele CA100038953.

ClinVar aggregate classification (germline): Benign. Review status: criteria provided, multiple submitters, no conflicts (2 of 4 stars). 2 submissions from 2 submitters: Benign (2). Last evaluated 2026-06-04.

Submissions (2):

Women's Health and Genetics/Laboratory Corporation of America, LabCorp
Classification: Benign. Last evaluated: 2026-06-04. Review status: criteria provided, single submitter. Criteria: LabCorp Variant Classification Summary - May 2015. Collection method: clinical testing. Allele origin: germline.
Comment: Variant summary: PRKG2 c.2127-17_2127-14dupCCTT alters a nucleotide located at a position not widely known to affect splicing. Consensus agreement among computation tools predict no significant impact on normal splicing. However, these predictions have yet to be confirmed by functional studies. The variant allele was found at a frequency of 0.18 in 23520 control chromosomes in the gnomAD database, including 560 homozygotes. The observed variant frequency exceeds the estimated maximal expected allele frequency for disease-causing variants in PRKG2. To our knowledge, no occurrence of c.2127-17_2127-14dupCCTT in individuals affected with PRKG2-related conditions and no experimental evidence demonstrating its impact on protein function have been reported. ClinVar contains an entry for this variant (Variation ID: 2798131). Based on the evidence outlined above, the variant was classified as benign.

Labcorp Genetics (formerly Invitae), Labcorp
Classification: Benign. Last evaluated: 2024-08-30. Review status: criteria provided, single submitter. Criteria: Invitae Variant Classification Sherloc (09022015). Collection method: clinical testing. Allele origin: germline.